The following is an entry in ClinVar:

NM_001386393.1(PANK2):c.706A>G (p.Ile236Val)

Gene: PANK2 (pantothenate kinase 2; plus strand). Cytogenetic location: 20p13.
Variant type: single nucleotide variant.
Coding change: c.706A>G on transcript NM_001386393.1 (MANE Select); coding-DNA position 706, A replaced by G.
Protein change: p.Ile236Val; replaces isoleucine 236 with valine.
Molecular consequence: missense variant. On other transcripts: 5 prime UTR variant (1), non-coding transcript variant (1).
Genome position (GRCh38, 1-based): chr20:3,910,631, A>G. VCF-style: chr20-3910631-A-G. GRCh37 (hg19) VCF-style: chr20-3891278-A-G.
Other names: c.1036A>G (NM_153638.2); c.163A>G, p.Ile55Val (NM_001324191.2, NM_024960.6, NM_153640.4); c.-273A>G (NM_001324193.2); c.1036A>G, p.Ile346Val (NM_153638.4); short protein forms I236V, I346V, I55V.
Identifiers: ClinVar variation 1051257 (VCV001051257.8), dbSNP rs2090454168, ClinGen allele CA408114659.

ClinVar aggregate classification (germline): Uncertain significance. Review status: criteria provided, multiple submitters, no conflicts (2 of 4 stars). 2 submissions from 2 submitters: Uncertain significance (2). Last evaluated 2023-02-06.

Conditions:
Pigmentary pallidal degeneration (NBIA1). Also called: Pantothenate Kinase-Associated Neurodegeneration; Neuroaxonal dystrophy, late infantile; Hallervorden-Spatz disease; PKAN NEUROAXONAL DYSTROPHY, JUVENILE-ONSET; HARP SYNDROME; Neurodegeneration with brain iron accumulation 1. Identifiers: Orphanet 157850, MedGen C0018523, MONDO:0009319, OMIM 234200.

Allele frequency attached by ClinVar (database versions not stated): gnomAD exomes below 0.00001; TOPMed below 0.00001.
gnomAD v4.1: 1 of 1,614,098 alleles (0.000062%); highest among the groups gnomAD compares: Non-Finnish European, 0.000085%; no homozygotes.

Submissions (2):

GeneDx
Classification: Uncertain significance. Last evaluated: 2023-02-06. Review status: criteria provided, single submitter. Criteria: GeneDx Variant Classification Process June 2021. Collection method: clinical testing. Allele origin: germline. Affected: yes.
Comment: Not observed at significant frequency in large population cohorts (gnomAD); In silico analysis supports that this missense variant does not alter protein structure/function; Has not been previously published as pathogenic or benign to our knowledge

Labcorp Genetics (formerly Invitae), Labcorp
Classification: Uncertain significance for Pigmentary pallidal degeneration. Last evaluated: 2022-08-23. Review status: criteria provided, single submitter. Criteria: Invitae Variant Classification Sherloc (09022015). Collection method: clinical testing. Allele origin: germline.
Comment: This sequence change replaces isoleucine, which is neutral and non-polar, with valine, which is neutral and non-polar, at codon 346 of the PANK2 protein (p.Ile346Val). This variant is not present in population databases (gnomAD no frequency). This variant has not been reported in the literature in individuals affected with PANK2-related conditions. ClinVar contains an entry for this variant (Variation ID: 1051257). Algorithms developed to predict the effect of missense changes on protein structure and function (SIFT, PolyPhen-2, Align-GVGD) all suggest that this variant is likely to be tolerated. In summary, the available evidence is currently insufficient to determine the role of this variant in disease. Therefore, it has been classified as a Variant of Uncertain Significance.